The following is an entry in ClinVar:

ClinVar aggregate classification (germline): Uncertain significance. Review status: criteria provided, multiple submitters, no conflicts (2 of 4 stars). 3 submissions from 3 submitters: Uncertain significance (2). 1 of the submissions does not count toward it. Last evaluated 2025-09-10.

Conditions:
Inborn genetic diseases. Identifiers: MedGen C0950123, MeSH D030342.
Achromatopsia. Also called: Rod monochromatism. Identifiers: Orphanet 49382, MedGen C0152200, MONDO:0018852, HP:0011516.

Allele frequency attached by ClinVar (database versions not stated): gnomAD exomes 0.00003 and 0.00004; ExAC 0.00004; gnomAD 0.00002; TOPMed 0.00002.
gnomAD v4.1: 18 of 1,614,016 alleles (0.0011%); highest among the groups gnomAD compares: Admixed American, 0.03%; no homozygotes.

Submissions (3):

Ambry Genetics
Classification: Uncertain significance for Inborn genetic diseases. Last evaluated: 2025-09-10. Review status: criteria provided, single submitter. Criteria: Ambry Variant Classification Scheme 2023. Collection method: clinical testing. Allele origin: germline.

Labcorp Genetics (formerly Invitae), Labcorp
Classification: Uncertain significance. Last evaluated: 2021-09-07. Review status: criteria provided, single submitter. Criteria: Invitae Variant Classification Sherloc (09022015). Collection method: clinical testing. Allele origin: germline.
Comment: This sequence change replaces cysteine with tyrosine at codon 756 of the CNGB3 protein (p.Cys756Tyr). The cysteine residue is moderately conserved and there is a large physicochemical difference between cysteine and tyrosine. This variant is present in population databases (rs758659088, ExAC 0.04%). This variant has not been reported in the literature in individuals affected with CNGB3-related conditions. Algorithms developed to predict the effect of missense changes on protein structure and function output the following: SIFT: "Tolerated"; PolyPhen-2: "Benign"; Align-GVGD: "Class C0". The tyrosine amino acid residue is found in multiple mammalian species, which suggests that this missense change does not adversely affect protein function. In summary, the available evidence is currently insufficient to determine the role of this variant in disease. Therefore, it has been classified as a Variant of Uncertain Significance.

Natera, Inc.
Classification: Uncertain significance for Achromatopsia. Last evaluated: 2021-07-12. Review status: no assertion criteria provided. Collection method: clinical testing. Allele origin: germline. Not counted in ClinVar's aggregate classification.

NM_019098.5(CNGB3):c.2267G>A (p.Cys756Tyr)

Gene: CNGB3 (cyclic nucleotide gated channel subunit beta 3; minus strand). Cytogenetic location: 8q21.3.
Variant type: single nucleotide variant.
Coding change: c.2267G>A on transcript NM_019098.5 (MANE Select); coding-DNA position 2267, G replaced by A.
Protein change: p.Cys756Tyr; replaces cysteine 756 with tyrosine.
Molecular consequence: missense variant.
Genome position (GRCh38, 1-based): chr8:86,575,967, C>T on the plus strand (G>A on the coding strand, the complement: CNGB3 is on the minus strand). VCF-style: chr8-86575967-C-T. GRCh37 (hg19) VCF-style: chr8-87588195-C-T.
Other names: short protein forms C756Y.
Identifiers: ClinVar variation 860651 (VCV000860651.9), dbSNP rs758659088, ClinGen allele CA4799762.